The following is an entry in ClinVar:

ClinVar aggregate classification (germline): Uncertain significance. Review status: criteria provided, multiple submitters, no conflicts (2 of 4 stars). 2 submissions from 2 submitters: Uncertain significance (2). Last evaluated 2026-02-12.

Conditions:
PCDH15-related disorder. Also called: PCDH15-related disorders; PCDH15-related condition.

Allele frequency attached by ClinVar (database versions not stated): gnomAD exomes 0.00001; TOPMed below 0.00001; ExAC 0.00001.

Submissions (2):

PreventionGenetics, part of Exact Sciences
Classification: Uncertain significance for PCDH15-related condition. Last evaluated: 2026-02-12. Review status: criteria provided, single submitter. Criteria: ACMG Guidelines, 2015. Collection method: clinical testing. Allele origin: germline.
Comment: The PCDH15 c.4462_4470dup9 variant is predicted to result in an in-frame duplication (p.Asn1488_Ile1490dup). To our knowledge, this variant has not been reported in the literature. This variant is reported in 0.020% of alleles in individuals of South Asian descent in gnomAD. At this time, the clinical significance of this variant is uncertain due to the absence of conclusive functional and genetic evidence.

Labcorp Genetics (formerly Invitae), Labcorp
Classification: Uncertain significance. Last evaluated: 2022-07-06. Review status: criteria provided, single submitter. Criteria: Invitae Variant Classification Sherloc (09022015). Collection method: clinical testing. Allele origin: germline.
Comment: This variant, c.4462_4470dup, results in the insertion of 3 amino acid(s) of the PCDH15 protein (p.Asn1488_Ile1490dup), but otherwise preserves the integrity of the reading frame. This variant is present in population databases (rs768528380, gnomAD 0.02%). This variant has not been reported in the literature in individuals affected with PCDH15-related conditions. Experimental studies and prediction algorithms are not available or were not evaluated, and the functional significance of this variant is currently unknown. In summary, the available evidence is currently insufficient to determine the role of this variant in disease. Therefore, it has been classified as a Variant of Uncertain Significance.

NM_033056.4(PCDH15):c.4462_4470dup (p.Ile1490_Glu1491insAsnThrIle)

Gene: PCDH15 (protocadherin related 15; minus strand). Cytogenetic location: 10q21.1.
Variant type: Duplication.
Coding change: c.4462_4470dup on transcript NM_033056.4 (MANE Plus Clinical); coding-DNA positions 4462 to 4470, 9 bases duplicated (AATACTATT; older notation c.4462_4470dupAATACTATT).
Protein change: p.Ile1490_Glu1491insAsnThrIle.
Molecular consequence: inframe insertion. On other transcripts: intron variant (8).
Genome position (GRCh38, 1-based): chr10:53,823,256-53,823,264, AATAGTATT duplicated on the plus strand (AATACTATT on the coding strand, the reverse complement: PCDH15 is on the minus strand). VCF-style (leftmost placement, unchanged base first): chr10-53823255-C-CAATAGTATT. GRCh37 (hg19) VCF-style: chr10-55583015-C-CAATAGTATT.
Other names: c.4483_4491dup, p.Ile1497_Glu1498insAsnThrIle (NM_001142763.2); c.4468_4476dup, p.Ile1492_Glu1493insAsnThrIle (NM_001142764.2); c.4255_4263dup, p.Ile1421_Glu1422insAsnThrIle (NM_001142765.2); c.4453_4461dup, p.Ile1487_Glu1488insAsnThrIle (NM_001142766.2); c.4342_4350dup, p.Ile1450_Glu1451insAsnThrIle (NM_001142767.2); c.4402_4410dup, p.Ile1470_Glu1471insAsnThrIle (NM_001142768.2); c.4393_4401dup, p.Ile1467_Glu1468insAsnThrIle (NM_001142773.2); c.4396_4404dup, p.Ile1468_Glu1469insAsnThrIle (NM_001354404.2); and 6 more.
Identifiers: ClinVar variation 2146647 (VCV002146647.2), dbSNP rs768528380, ClinGen allele CA5505272.
Genomic context (GRCh38, chr10:53,823,255, plus strand): 5'-TTGCAGACTTCAGTTTGTTGCTCTTAAGTGATCCGTCTACATGAGCTGACTTGTGAGCCT[C>CAATAGTATT]AATAGTATTGGAAGAAAAGGGCATCACAACTTGTTGATGTTTCCTGTCTTCTGAGACTGA-3'